The following is an entry in ClinVar:

NM_000022.4(ADA):c.919_920insTCTCTTATAC (p.Asp307fs)

Gene: ADA (adenosine deaminase; minus strand). Cytogenetic location: 20q13.12.
Variant type: Insertion.
Coding change: c.919_920insTCTCTTATAC on transcript NM_000022.4 (MANE Select); coding-DNA positions 919 to 920, TCTCTTATAC inserted.
Protein change: p.Asp307fs; shifts the reading frame from aspartic acid 307.
Molecular consequence: frameshift variant. On other transcripts: non-coding transcript variant (1).
Genome position: GRCh38 VCF-style: chr20-44621073-T-TGTATAAGAGA. GRCh37 (hg19) VCF-style: chr20-43249714-T-TGTATAAGAGA.
Other names: c.514_515insTCTCTTATAC, p.Asp172fs (NM_001322050.2); c.847_848insTCTCTTATAC, p.Asp283fs (NM_001322051.2); short protein forms D172fs, D283fs, D307fs.
Identifiers: ClinVar variation 5011463 (VCV005011463.1).
Genomic context (GRCh38, chr20:44,621,073, plus strand): 5'-CTCACCAGCCTTTTAAACTCCTCTTCAGTAAAGCCCATGTCCCGTTTGGTCATCTGGTAA[T>TGTATAAGAGA]CAGTGTCCAGGGTGGACTTGAAGATGAGCGGGTCATCTGTGTTGAGCGAGTAGTTAGCCT-3'

ClinVar aggregate classification (germline): Pathogenic (1 of 4 stars; one submission).

Conditions:
Severe combined immunodeficiency, autosomal recessive, T cell-negative, B cell-negative, NK cell-negative, due to adenosine deaminase deficiency. Also called: ADA-SCID; SCID DUE TO ADA DEFICIENCY; SCID DUE TO ADA DEFICIENCY, EARLY-ONSET; ADA deficiency; Adenosine deaminase deficient severe combined immunodeficiency; Severe combined immunodeficiency due to ADA deficiency. Identifiers: Orphanet 277, MedGen C0392607, MONDO:0007064, OMIM 102700.

Submission:

Myriad Genetics, Inc.
Classification: Pathogenic for Severe combined immunodeficiency, autosomal recessive, T cell-negative, B cell-negative, NK cell-negative, due to adenosine deaminase deficiency. Last evaluated: 2023-08-22. Review status: criteria provided, single submitter. Criteria: Myriad Autosomal Dominant, Autosomal Recessive and X-Linked Classification Criteria (2023). Collection method: clinical testing. Allele origin: unknown.
Comment: NM_000022.2(ADA):c.919_920ins10(D307Vfs*16) is expected to be pathogenic in the context of adenosine deaminase deficiency. This variant is predicted to lead to an abnormal or absent protein product due to the creation of a premature termination codon in ADA, a gene where loss-of-function variants are known to be pathogenic. Please note: this variant was assessed in the context of healthy population screening.